The following is an entry in ClinVar:

NM_001401501.2(MUC16):c.39354C>T (p.Val13118=)

Gene: MUC16 (mucin 16, cell surface associated; minus strand). Cytogenetic location: 19p13.2.
Variant type: single nucleotide variant.
Coding change: c.39354C>T on transcript NM_001401501.2 (MANE Select); coding-DNA position 39354, C replaced by T.
Protein change: p.Val13118=; no amino-acid change (valine 13118 retained).
Molecular consequence: synonymous variant.
Genome position (GRCh38, 1-based): chr19:8,898,629, G>A on the plus strand (C>T on the coding strand, the complement: MUC16 is on the minus strand). VCF-style: chr19-8898629-G-A. GRCh37 (hg19) VCF-style: chr19-9009305-G-A.
Other names: c.39780C>T, p.Val13260= (NM_001414686.1); c.39234C>T, p.Val13078= (NM_001414687.1); c.39168C>T, p.Val13056= (NM_024690.2).
Identifiers: ClinVar variation 3056832 (VCV003056832.2), dbSNP rs763995420, ClinGen allele CA9164168.
Genomic context (GRCh38, chr19:8,898,629, plus strand): 5'-AGGCTGGCTATTCTAGCCTCACCTGAGAGAGATCAGTCTGCAGCCAGAGTACAGAGGGCC[G>A]ACACTGGAGTTCTTGAACAAGGGACCAAGCTGTGGAAAAGGGACAGAGAGATGAGTAGGA-3'
Protein context (NP_001388430.1, residues 13108-13128): LLGPLFKNSS[Val13118=]GPLYSGCRLI

ClinVar aggregate classification (germline): Benign (0 of 4 stars; one submission).

Conditions:
MUC16-related disorder. Also called: MUC16-related condition.

Allele frequency attached by ClinVar (database versions not stated): ExAC 0.00743; gnomAD exomes 0.02078; 1000 Genomes Project 30x 0.37570.

Submission:

PreventionGenetics, part of Exact Sciences
Classification: Benign for MUC16-related condition. Last evaluated: 2019-11-04. Review status: no assertion criteria provided. Collection method: clinical testing. Allele origin: germline.
Comment: This variant is classified as benign based on ACMG/AMP sequence variant interpretation guidelines (Richards et al. 2015 PMID: 25741868, with internal and published modifications).